The following is an entry in ClinVar:

NM_001352754.2(ARMC9):c.761C>A (p.Ala254Asp)

Gene: ARMC9 (armadillo repeat containing 9; plus strand). Cytogenetic location: 2q37.1.
Variant type: single nucleotide variant.
Coding change: c.761C>A on transcript NM_001352754.2 (MANE Select); coding-DNA position 761, C replaced by A.
Protein change: p.Ala254Asp; replaces alanine 254 with aspartic acid.
Molecular consequence: missense variant. On other transcripts: non-coding transcript variant (1).
Genome position (GRCh38, 1-based): chr2:231,235,362, C>A. VCF-style: chr2-231235362-C-A. GRCh37 (hg19) VCF-style: chr2-232100075-C-A.
Other names: c.761C>A, p.Ala254Asp (NM_001271466.4, NM_001291656.2, NM_001352755.2 and 5 more transcripts); short protein forms A254D.
Identifiers: ClinVar variation 1933137 (VCV001933137.5), dbSNP rs759497137, ClinGen allele CA2160032.

ClinVar aggregate classification (germline): Uncertain significance (1 of 4 stars; one submission).

Allele frequency attached by ClinVar (database versions not stated): ExAC 0.00002.
gnomAD v4.1: 8 of 1,614,040 alleles (0.0005%); highest among the groups gnomAD compares: Non-Finnish European, 0.00068%; no homozygotes.

Submission:

Labcorp Genetics (formerly Invitae), Labcorp
Classification: Uncertain significance. Last evaluated: 2022-03-10. Review status: criteria provided, single submitter. Criteria: Invitae Variant Classification Sherloc (09022015). Collection method: clinical testing. Allele origin: germline.
Comment: In summary, the available evidence is currently insufficient to determine the role of this variant in disease. Therefore, it has been classified as a Variant of Uncertain Significance. Experimental studies and prediction algorithms are not available or were not evaluated, and the functional significance of this variant is currently unknown. This variant has not been reported in the literature in individuals affected with ARMC9-related conditions. This variant is present in population databases (rs759497137, gnomAD 0.004%). This sequence change replaces alanine, which is neutral and non-polar, with aspartic acid, which is acidic and polar, at codon 254 of the ARMC9 protein (p.Ala254Asp).